The following is an entry in ClinVar:

NM_024548.4(CEP97):c.2392A>T (p.Ser798Cys)

Gene: CEP97 (centrosomal protein 97; plus strand). Cytogenetic location: 3q12.3.
Variant type: single nucleotide variant.
Coding change: c.2392A>T on transcript NM_024548.4 (MANE Select); coding-DNA position 2392, A replaced by T.
Protein change: p.Ser798Cys; replaces serine 798 with cysteine.
Molecular consequence: missense variant.
Genome position (GRCh38, 1-based): chr3:101,765,345, A>T. VCF-style: chr3-101765345-A-T. GRCh37 (hg19) VCF-style: chr3-101484189-A-T.
Other names: c.2215A>T, p.Ser739Cys (NM_001303401.2); c.2290A>T, p.Ser764Cys (NM_001410784.1); c.2113A>T, p.Ser705Cys (NM_001410785.1); short protein forms S705C, S798C, S764C, S739C.
Identifiers: ClinVar variation 2748513 (VCV002748513.3), dbSNP rs1479599134, ClinGen allele CA353882010.

ClinVar aggregate classification (germline): Uncertain significance (1 of 4 stars; one submission).

gnomAD v4.1: 1 of 1,614,182 alleles (0.000062%); highest among the groups gnomAD compares: African/African-American, 0.0013%; no homozygotes.

Submission:

Labcorp Genetics (formerly Invitae), Labcorp
Classification: Uncertain significance. Last evaluated: 2023-07-30. Review status: criteria provided, single submitter. Criteria: Invitae Variant Classification Sherloc (09022015). Collection method: clinical testing. Allele origin: germline.
Comment: In summary, the available evidence is currently insufficient to determine the role of this variant in disease. Therefore, it has been classified as a Variant of Uncertain Significance. Advanced modeling of protein sequence and biophysical properties (such as structural, functional, and spatial information, amino acid conservation, physicochemical variation, residue mobility, and thermodynamic stability) performed at Invitae indicates that this missense variant is not expected to disrupt CEP97 protein function. This variant has not been reported in the literature in individuals affected with CEP97-related conditions. This variant is not present in population databases (gnomAD no frequency). This sequence change replaces serine, which is neutral and polar, with cysteine, which is neutral and slightly polar, at codon 798 of the CEP97 protein (p.Ser798Cys).